The following continues an entry in ClinVar:

NM_000059.4(BRCA2):c.10202C>T (p.Thr3401Met)

Gene: BRCA2. ClinVar aggregate classification (germline): Conflicting classifications of pathogenicity. Uncertain significance (9); Benign (1); Likely benign (6).

Submissions 11 to 20 of 20:

ARUP Laboratories, Molecular Genetics and Genomics, ARUP Laboratories
Classification: Uncertain significance. Last evaluated: 2020-03-05. Review status: criteria provided, single submitter. Criteria: ARUP Molecular Germline Variant Investigation Process. Collection method: clinical testing. Allele origin: germline.
Comment: The BRCA2 c.10202C>T; p.Thr3401Met variant (rs55853199) is reported in the literature in at least one family affected with breast, ovarian, and colon cancer (Gorski 2000). This variant is reported in ClinVar (Variation ID: 51053), and found in the general population with an overall allele frequency of 0.002% (6/282206 alleles) in the Genome Aggregation Database. The threonine at codon 3401 is weakly conserved, but computational analyses (SIFT: Damaging, PolyPhen-2: Benign) predict conflicting effects of this variant on protein structure/function. Given the lack of clinical and functional data, the significance of the p.Thr3401Met variant is uncertain at this time. References: Gorski B et al. Founder mutations in the BRCA1 gene in Polish families with breast-ovarian cancer. Am J Hum Genet. 2000 Jun;66(6):1963-8.

CeGaT Center for Human Genetics Tuebingen
Classification: Uncertain significance. Last evaluated: 2020-02-01. Review status: criteria provided, single submitter. Criteria: CeGaT Center For Human Genetics Tuebingen Variant Classification Criteria Version 2. Collection method: clinical testing. Allele origin: germline. Affected: yes. Observed: 1 variant allele.

Institute of Human Genetics, University of Leipzig Medical Center
Classification: Uncertain significance for Breast-ovarian cancer, familial, susceptibility to, 2. Last evaluated: 2019-11-08. Review status: criteria provided, single submitter. Criteria: ACMG Guidelines, 2015. Collection method: clinical testing. Allele origin: de novo. Affected: yes. Observed: 1 variant allele.

Mendelics
Classification: Likely benign for Breast-ovarian cancer, familial, susceptibility to, 2. Last evaluated: 2019-05-28. Review status: criteria provided, single submitter. Criteria: Mendelics Assertion Criteria 2017. Collection method: clinical testing. Allele origin: unknown.

Color Diagnostics, LLC DBA Color Health
Classification: Benign for Hereditary cancer-predisposing syndrome. Last evaluated: 2016-11-21. Review status: criteria provided, single submitter. Criteria: ACMG Guidelines, 2015. Collection method: clinical testing. Allele origin: germline.

Laboratory for Molecular Medicine, Mass General Brigham Personalized Medicine
Classification: Uncertain significance. Last evaluated: 2016-06-23. Review status: criteria provided, single submitter. Criteria: LMM Criteria. Collection method: clinical testing. Allele origin: germline.
Comment: Variant identified in a genome or exome case(s) and assessed due to predicted null impact of the variant or pathogenic assertions in the literature or databases. Disclaimer: This variant has not undergone full assessment. The following are preliminary notes: ClinVar: 2 LB, 2 VUS, reported in 1 proband

Zotz-Klimas Genetics Lab, MVZ Zotz Klimas
Classification: Uncertain significance for Breast-ovarian cancer, familial, susceptibility to, 2. Last evaluated: 2023-11-24. Review status: no assertion criteria provided. Collection method: clinical testing. Allele origin: germline. Affected: yes. Not counted in ClinVar's aggregate classification.

Sharing Clinical Reports Project (SCRP)
Classification: Likely benign for Breast-ovarian cancer, familial 2. Last evaluated: 2012-05-01. Review status: no assertion criteria provided. Collection method: clinical testing. Allele origin: germline. Not counted in ClinVar's aggregate classification.

Breast Cancer Information Core (BIC) (BRCA2)
Classification: Uncertain significance for Breast-ovarian cancer, familial 2. Last evaluated: 2002-05-29. Review status: no assertion criteria provided. Collection method: clinical testing. Allele origin: germline. Affected: yes. Observed: 5 variant alleles. Not counted in ClinVar's aggregate classification.

Department of Pathology and Laboratory Medicine, Sinai Health System
Classification: Uncertain significance for Breast-ovarian cancer, familial, susceptibility to, 2. Review status: no assertion criteria provided. Collection method: clinical testing. Allele origin: unknown. Affected: yes. Study: The Canadian Open Genetics Repository (COGR). Not counted in ClinVar's aggregate classification.
Comment: The BRCA2 p.Thr3401Met variant was not identified in the literature nor was it identified in the UMD-LSDB. The variant was identified in dbSNP (ID: rs55853199) as "With other allele", ClinVar (classified as benign by Color; as likely benign by Invitae, GeneDx and SCRP; as uncertain significance by five submitters), and in LOVD 3.0 (2x as VUS) .The variant was identified in control databases in 6 of 276618 chromosomes at a frequency of 0.00002 (Genome Aggregation Database Feb 27, 2017). The variant was observed in the following populations: African in 1 of 24014 chromosomes (freq: 0.00004), Latino in 1 of 34344 chromosomes (freq: 0.00003), European in 4 of 126344 chromosomes (freq: 0.00003), while the variant was not observed in the Other, Ashkenazi Jewish, East Asian, Finnish, and South Asian populations. The p.Thr3401 residue is not conserved in mammals and four out of five computational analyses (PolyPhen-2, SIFT, AlignGVGD, BLOSUM, MutationTaster) do not suggest a high likelihood of impact to the protein; however, this information is not predictive enough to rule out pathogenicity. The variant occurs outside of the splicing consensus sequence and in silico or computational prediction software programs (SpliceSiteFinder, MaxEntScan, NNSPLICE, GeneSplicer) do not predict a difference in splicing. In summary, based on the above information the clinical significance of this variant cannot be determined with certainty at this time. This variant is classified as a variant of uncertain significance.

Literature cited by the submitters: PubMed 32467295 (cited by Quest Diagnostics Nichols Institute San Juan Capistrano); PubMed 32885271 (cited by Quest Diagnostics Nichols Institute San Juan Capistrano and Ambry Genetics); PubMed 34290354 (cited by Quest Diagnostics Nichols Institute San Juan Capistrano and Women's Health and Genetics/Laboratory Corporation of America, LabCorp); PubMed 35402282 (cited by Quest Diagnostics Nichols Institute San Juan Capistrano and Ambry Genetics); PubMed 33471991 (cited by Quest Diagnostics Nichols Institute San Juan Capistrano); PubMed 29684080 (cited by Quest Diagnostics Nichols Institute San Juan Capistrano and Ambry Genetics); PubMed 28591715 (cited by Quest Diagnostics Nichols Institute San Juan Capistrano and Women's Health and Genetics/Laboratory Corporation of America, LabCorp); PubMed 28569218 (cited by Quest Diagnostics Nichols Institute San Juan Capistrano and Women's Health and Genetics/Laboratory Corporation of America, LabCorp); PubMed 26332594 (cited by 3 submitters); PubMed 26843898 (cited by Quest Diagnostics Nichols Institute San Juan Capistrano); PubMed 25682074 (cited by Quest Diagnostics Nichols Institute San Juan Capistrano and Women's Health and Genetics/Laboratory Corporation of America, LabCorp); PubMed 24504028 (cited by Quest Diagnostics Nichols Institute San Juan Capistrano and Women's Health and Genetics/Laboratory Corporation of America, LabCorp); PubMed 20223018 (cited by 3 submitters); PubMed 10788334 (cited by 3 submitters); PubMed 23555315 (cited by Ambry Genetics and Women's Health and Genetics/Laboratory Corporation of America, LabCorp); PubMed 31837001 (cited by Women's Health and Genetics/Laboratory Corporation of America, LabCorp); PubMed 34709755 (cited by Women's Health and Genetics/Laboratory Corporation of America, LabCorp).